The following is an entry in ClinVar:

ClinVar aggregate classification (germline): Uncertain significance (1 of 4 stars; one submission).

Allele frequency attached by ClinVar (database versions not stated): gnomAD 0.00001; gnomAD exomes 0.00001; TOPMed 0.00002.
gnomAD v4.1: 18 of 1,614,028 alleles (0.0011%); highest among the groups gnomAD compares: Non-Finnish European, 0.0014%; no homozygotes.

Submission:

Labcorp Genetics (formerly Invitae), Labcorp
Classification: Uncertain significance. Last evaluated: 2023-09-15. Review status: criteria provided, single submitter. Criteria: Invitae Variant Classification Sherloc (09022015). Collection method: clinical testing. Allele origin: germline.
Comment: In summary, the available evidence is currently insufficient to determine the role of this variant in disease. Therefore, it has been classified as a Variant of Uncertain Significance. An algorithm developed to predict the effect of missense changes on protein structure and function (PolyPhen-2) suggests that this variant is likely to be disruptive. This variant has not been reported in the literature in individuals affected with KIDINS220-related conditions. This variant is not present in population databases (gnomAD no frequency). This sequence change replaces proline, which is neutral and non-polar, with glutamine, which is neutral and polar, at codon 1520 of the KIDINS220 protein (p.Pro1520Gln).

NM_020738.4(KIDINS220):c.4559C>A (p.Pro1520Gln)

Gene: KIDINS220 (kinase D interacting substrate 220; minus strand). Cytogenetic location: 2p25.1.
Variant type: single nucleotide variant.
Coding change: c.4559C>A on transcript NM_020738.4 (MANE Select); coding-DNA position 4559, C replaced by A.
Protein change: p.Pro1520Gln; replaces proline 1520 with glutamine.
Molecular consequence: missense variant. On other transcripts: intron variant (6).
Genome position (GRCh38, 1-based): chr2:8,731,477, G>T on the plus strand (C>A on the coding strand, the complement: KIDINS220 is on the minus strand). VCF-style: chr2-8731477-G-T. GRCh37 (hg19) VCF-style: chr2-8871607-G-T.
Other names: c.4562C>A, p.Pro1521Gln (NM_001348729.2); c.4505C>A, p.Pro1502Gln (NM_001348731.2); c.4502C>A, p.Pro1501Gln (NM_001348732.2); c.4391C>A, p.Pro1464Gln (NM_001348734.2); c.4388C>A, p.Pro1463Gln (NM_001348735.2); c.4262C>A, p.Pro1421Gln (NM_001348736.2); c.3882+1967C>A (NM_001348741.2, NM_001348742.2, NM_001348743.2); c.3996+1967C>A (NM_001348738.2); and 1 more; short protein forms P1464Q, P1501Q, P1502Q, P1521Q, P1463Q, P1421Q, P1520Q.
Identifiers: ClinVar variation 2986950 (VCV002986950.3), dbSNP rs1477494967, ClinGen allele CA345763761.